The following is an entry in ClinVar:

ClinVar aggregate classification (germline): Uncertain significance (1 of 4 stars; one submission).

Conditions:
Osteogenesis imperfecta type I (OI1). Also called: Lobstein disease; OI, TYPE I; OSTEOGENESIS IMPERFECTA TARDA; OSTEOGENESIS IMPERFECTA WITH BLUE SCLERAE; Osteogenesis imperfecta type 1; Lobstein's Disease. Identifiers: Orphanet 216796, Orphanet 666, MedGen C0023931, MONDO:0008146, OMIM 166200. Disease mechanism: loss of function.
Ehlers-Danlos syndrome, classic type, 1 (EDSCL1). Also called: EDS I; EHLERS-DANLOS SYNDROME, GRAVIS TYPE; EHLERS-DANLOS SYNDROME, SEVERE CLASSIC TYPE; Ehlers-Danlos syndrome, type 1; Ehlers-Danlos Syndrome, Classic Type, COL5A1-Related. Identifiers: MedGen C0268335, MONDO:0019567, OMIM 130000.

Allele frequency attached by ClinVar (database versions not stated): TOPMed below 0.00001.

Submission:

Labcorp Genetics (formerly Invitae), Labcorp
Classification: Uncertain significance for Osteogenesis imperfecta type I; Ehlers-Danlos syndrome, classic type, 1. Last evaluated: 2024-04-08. Review status: criteria provided, single submitter. Criteria: Invitae Variant Classification Sherloc (09022015). Collection method: clinical testing. Allele origin: germline.
Comment: This sequence change replaces proline, which is neutral and non-polar, with leucine, which is neutral and non-polar, at codon 782 of the COL1A2 protein (p.Pro782Leu). This variant is not present in population databases (gnomAD no frequency). This variant has not been reported in the literature in individuals affected with COL1A2-related conditions. Advanced modeling of protein sequence and biophysical properties (such as structural, functional, and spatial information, amino acid conservation, physicochemical variation, residue mobility, and thermodynamic stability) performed at Invitae indicates that this missense variant is not expected to disrupt COL1A2 protein function with a negative predictive value of 80%. In summary, the available evidence is currently insufficient to determine the role of this variant in disease. Therefore, it has been classified as a Variant of Uncertain Significance.

NM_000089.4(COL1A2):c.2345C>T (p.Pro782Leu)

Gene: COL1A2 (collagen type I alpha 2 chain; plus strand). Cytogenetic location: 7q21.3.
Variant type: single nucleotide variant.
Coding change: c.2345C>T on transcript NM_000089.4 (MANE Select); coding-DNA position 2345, C replaced by T.
Protein change: p.Pro782Leu; replaces proline 782 with leucine.
Molecular consequence: missense variant.
Genome position (GRCh38, 1-based): chr7:94,421,058, C>T. VCF-style: chr7-94421058-C-T. GRCh37 (hg19) VCF-style: chr7-94050370-C-T.
Other names: short protein forms P782L.
Identifiers: ClinVar variation 2942280 (VCV002942280.3), dbSNP rs1792150020, ClinGen allele CA368223745.